The following is an entry in ClinVar:

NM_001372.4(DNAH9):c.4709C>T (p.Pro1570Leu)

Gene: DNAH9 (dynein axonemal heavy chain 9; plus strand). Cytogenetic location: 17p12.
Variant type: single nucleotide variant.
Coding change: c.4709C>T on transcript NM_001372.4 (MANE Select); coding-DNA position 4709, C replaced by T.
Protein change: p.Pro1570Leu; replaces proline 1570 with leucine.
Molecular consequence: missense variant.
Genome position (GRCh38, 1-based): chr17:11,693,962, C>T. VCF-style: chr17-11693962-C-T. GRCh37 (hg19) VCF-style: chr17-11597279-C-T.
Other names: short protein forms P1570L.
Identifiers: ClinVar variation 2076086 (VCV002076086.4), dbSNP rs199573904, ClinGen allele CA8395745.
Genomic context (GRCh38, chr17:11,693,962, plus strand): 5'-TTAAAGAGCTAGCTTATGATGCCCAGAAAATTCCAAATGTAGTGCAAACCACCAACAAGC[C>T]AGGCCTGTATGAAAAGCTGGAGGATATTCAGGGCAGGTGAGGGTCCGCCCATTACCCCTT-3'
Protein context (NP_001363.2, residues 1560-1580): IPNVVQTTNK[Pro1570Leu]GLYEKLEDIQ

ClinVar aggregate classification (germline): Uncertain significance. Review status: criteria provided, multiple submitters, no conflicts (2 of 4 stars). 2 submissions from 2 submitters: Uncertain significance (2). Last evaluated 2024-05-23.

Conditions:
Inborn genetic diseases. Identifiers: MedGen C0950123, MeSH D030342.

Allele frequency attached by ClinVar (database versions not stated): ExAC 0.00001; gnomAD 0.00001; TOPMed 0.00001; 1000 Genomes Project 0.00020; gnomAD exomes 0.00001; 1000 Genomes Project 30x 0.00016.
gnomAD v4.1: 5 of 1,614,134 alleles (0.00031%); highest among the groups gnomAD compares: Admixed American, 0.0067%; no homozygotes.

Submissions (2):

Labcorp Genetics (formerly Invitae), Labcorp
Classification: Uncertain significance. Last evaluated: 2024-05-23. Review status: criteria provided, single submitter. Criteria: Invitae Variant Classification Sherloc (09022015). Collection method: clinical testing. Allele origin: germline.
Comment: This sequence change replaces proline, which is neutral and non-polar, with leucine, which is neutral and non-polar, at codon 1570 of the DNAH9 protein (p.Pro1570Leu). This variant is present in population databases (rs199573904, gnomAD 0.009%). This missense change has been observed in individual(s) with DNAH9-related conditions (Invitae). ClinVar contains an entry for this variant (Variation ID: 2076086). Advanced modeling of protein sequence and biophysical properties (such as structural, functional, and spatial information, amino acid conservation, physicochemical variation, residue mobility, and thermodynamic stability) performed at Invitae indicates that this missense variant is expected to disrupt DNAH9 protein function with a positive predictive value of 80%. In summary, the available evidence is currently insufficient to determine the role of this variant in disease. Therefore, it has been classified as a Variant of Uncertain Significance.

Ambry Genetics
Classification: Uncertain significance for Inborn genetic diseases. Last evaluated: 2021-08-10. Review status: criteria provided, single submitter. Criteria: Ambry Variant Classification Scheme 2023. Collection method: clinical testing. Allele origin: germline.